The following is an entry in ClinVar:

ClinVar aggregate classification (germline): Pathogenic. Review status: criteria provided, single submitter (1 of 4 stars). 2 submissions from 2 submitters: Pathogenic (1). 1 of the submissions does not count toward it. Last evaluated 2020-10-01.

Conditions:
Charcot-Marie-Tooth disease type 4A. Also called: Charcot-Marie-Tooth disease, demyelinating, autosomal recessive, type 4a. Identifiers: Orphanet 99948, MedGen C1859198, MONDO:0008961, OMIM 214400.
Charcot-Marie-Tooth disease axonal type 2K (CMT2K). Also called: Charcot-Marie-Tooth disease type 2K; CHARCOT-MARIE-TOOTH DISEASE, AXONAL, AUTOSOMAL RECESSIVE, TYPE 2K; CHARCOT-MARIE-TOOTH NEUROPATHY, AXONAL, TYPE 2K. Identifiers: Orphanet 101097, Orphanet 99944, MedGen C1842983, MONDO:0011916, OMIM 607831.

gnomAD v4.1: 2 of 1,545,726 alleles (0.00013%); highest among the groups gnomAD compares: Non-Finnish European, 0.000089%; no homozygotes.

Submissions (2):

Labcorp Genetics (formerly Invitae), Labcorp
Classification: Pathogenic for Charcot-Marie-Tooth disease type 4A. Last evaluated: 2020-10-01. Review status: criteria provided, single submitter. Criteria: Invitae Variant Classification Sherloc (09022015). Collection method: clinical testing. Allele origin: germline.
Comment: For these reasons, this variant has been classified as Pathogenic. Loss-of-function variants in GDAP1 are known to be pathogenic (PMID: 11743580). This variant has been observed in individual(s) with Charcot-Marie-Tooth disease (Invitae). This variant is not present in population databases (ExAC no frequency). This sequence change creates a premature translational stop signal (p.Lys193*) in the GDAP1 gene. It is expected to result in an absent or disrupted protein product.

Inherited Neuropathy Consortium Ii, University Of Miami
Classification: Uncertain significance for Charcot-Marie-Tooth disease axonal type 2K. Last evaluated: 2020-12-22. Review status: no assertion criteria provided. Collection method: literature only. Allele origin: germline. Affected: yes. Not counted in ClinVar's aggregate classification.

Literature cited by the submitters: PubMed 11743580 (cited by Labcorp Genetics (formerly Invitae), Labcorp); PubMed 25614874 (cited by Inherited Neuropathy Consortium Ii, University Of Miami).

NM_018972.4(GDAP1):c.577A>T (p.Lys193Ter)

Gene: GDAP1 (ganglioside induced differentiation associated protein 1; plus strand). Cytogenetic location: 8q21.11.
Variant type: single nucleotide variant.
Coding change: c.577A>T on transcript NM_018972.4 (MANE Select); coding-DNA position 577, A replaced by T.
Protein change: p.Lys193Ter; replaces lysine 193 with a stop codon.
Molecular consequence: nonsense.
Genome position (GRCh38, 1-based): chr8:74,361,976, A>T. VCF-style: chr8-74361976-A-T. GRCh37 (hg19) VCF-style: chr8-75274211-A-T.
Other names: c.373A>T, p.Lys125Ter (NM_001040875.4); c.250A>T, p.Lys84Ter (NM_001362929.2, NM_001362932.2); c.403A>T, p.Lys135Ter (NM_001362930.2); c.577A>T, p.Lys193Ter (NM_001362931.2); c.577A>T (NM_018972.2); short protein forms K125*, K135*, K193*, K84*.
Identifiers: ClinVar variation 1072856 (VCV001072856.9), dbSNP rs1085307665, ClinGen allele CA371549319.